The following is an entry in ClinVar:

NM_000016.6(ACADM):c.669del (p.Ile223fs)

Gene: ACADM (acyl-CoA dehydrogenase medium chain; plus strand). Cytogenetic location: 1p31.1.
Variant type: Deletion.
Coding change: c.669del on transcript NM_000016.6 (MANE Select); coding-DNA position 669, one base deleted (T; older notation c.669delT).
Protein change: p.Ile223fs; shifts the reading frame from isoleucine 223.
Molecular consequence: frameshift variant.
Genome position (GRCh38, 1-based): chr1:75,745,875, T deleted; the last of 2 consecutive T bases (chr1:75,745,874-75,745,875); deleting either gives the same sequence. VCF-style (leftmost placement, unchanged base first): chr1-75745873-AT-A. GRCh37 (hg19) VCF-style: chr1-76211558-AT-A.
Other names: c.681del, p.Ile227fs (NM_001127328.3); c.561del, p.Ile187fs (NM_001286042.2); c.768del, p.Ile256fs (NM_001286043.2); c.102del, p.Ile34fs (NM_001286044.2); short protein forms I187fs, I256fs, I223fs, I227fs, I34fs.
Identifiers: ClinVar variation 3587872 (VCV003587872.2).

ClinVar aggregate classification (germline): Pathogenic/Likely pathogenic. Review status: criteria provided, multiple submitters, no conflicts (2 of 4 stars). 2 submissions from 2 submitters: Pathogenic (1); Likely pathogenic (1). Last evaluated 2025-06-27.

Conditions:
Medium-chain acyl-coenzyme A dehydrogenase deficiency (ACADMD). Also called: MCAD Deficiency; ACADM DEFICIENCY; MCADD; Medium chain acyl-CoA dehydrogenase deficiency; CARNITINE DEFICIENCY SECONDARY TO MEDIUM-CHAIN ACYL-CoA DEHYDROGENASE DEFICIENCY; MCADH DEFICIENCY. Identifiers: Orphanet 42, MedGen C0220710, MONDO:0008721, OMIM 201450.

Submissions (2):

Myriad Genetics, Inc.
Classification: Pathogenic for Medium-chain acyl-coenzyme A dehydrogenase deficiency. Last evaluated: 2025-06-27. Review status: criteria provided, single submitter. Criteria: Myriad Autosomal Dominant, Autosomal Recessive and X-Linked Classification Criteria (2023). Collection method: clinical testing. Allele origin: unknown.
Comment: NM_000016.4(ACADM):c.669delT(I223Mfs*16) is expected to be pathogenic in the context of medium-chain acyl-CoA dehydrogenase deficiency. This variant is predicted to lead to an abnormal or absent protein product due to the creation of a premature termination codon in ACADM, a gene where loss-of-function variants are known to be pathogenic. Please note: this variant was assessed in the context of healthy population screening.

Fulgent Genetics
Classification: Likely pathogenic for Medium-chain acyl-coenzyme A dehydrogenase deficiency. Last evaluated: 2024-02-22. Review status: criteria provided, single submitter. Criteria: ACMG Guidelines, 2015. Collection method: clinical testing. Allele origin: germline.